The following is an entry in ClinVar:

NM_004408.4(DNM1):c.992+3G>A

Gene: DNM1 (dynamin 1; plus strand). Cytogenetic location: 9q34.11.
Variant type: single nucleotide variant.
Coding change: c.992+3G>A on transcript NM_004408.4 (MANE Select); 3 bases into the intron after coding-DNA position 992, G replaced by A.
Molecular consequence: intron variant.
Genome position (GRCh38, 1-based): chr9:128,222,342, G>A. VCF-style: chr9-128222342-G-A. GRCh37 (hg19) VCF-style: chr9-130984621-G-A.
Other names: c.992+3G>A (NM_001005336.3, NM_001374269.1, NM_001288738.2 and 2 more transcripts).
Identifiers: ClinVar variation 2873475 (VCV002873475.3), dbSNP rs764710759, ClinGen allele CA5257939.
Genomic context (GRCh38, chr9:128,222,342, plus strand): 5'-AGGAATACAAGAACTTCCGCCCTGATGACCCAGCTCGCAAGACCAAGGCCCTGCTGCAGT[G>A]AGGCTCCCCCAGCTCCTATCACTGAATCCCCGCCCCCAGCCTCTCAGCGTGGGGCTCTCC-3'

ClinVar aggregate classification (germline): Uncertain significance (1 of 4 stars; one submission).

Conditions:
Developmental and epileptic encephalopathy, 31A. Also called: Epileptic encephalopathy, early infantile, 31; Developmental and epileptic encephalopathy, 31. Identifiers: Orphanet 2382, MedGen C4225357, MONDO:0014598, OMIM 616346.

Allele frequency attached by ClinVar (database versions not stated): gnomAD exomes 0.00001; ExAC 0.00006.
gnomAD v4.1: 7 of 1,612,632 alleles (0.00043%); highest among the groups gnomAD compares: Non-Finnish European, 0.00059%; no homozygotes.

Submission:

Labcorp Genetics (formerly Invitae), Labcorp
Classification: Uncertain significance for Developmental and epileptic encephalopathy, 31A. Last evaluated: 2024-09-01. Review status: criteria provided, single submitter. Criteria: Invitae Variant Classification Sherloc (09022015). Collection method: clinical testing. Allele origin: germline.
Comment: This sequence change falls in intron 7 of the DNM1 gene. It does not directly change the encoded amino acid sequence of the DNM1 protein. It affects a nucleotide within the consensus splice site. This variant is present in population databases (rs764710759, gnomAD 0.006%). This variant has not been reported in the literature in individuals affected with DNM1-related conditions. Variants that disrupt the consensus splice site are a relatively common cause of aberrant splicing (PMID: 17576681, 9536098). Algorithms developed to predict the effect of sequence changes on RNA splicing suggest that this variant is not likely to affect RNA splicing. In summary, the available evidence is currently insufficient to determine the role of this variant in disease. Therefore, it has been classified as a Variant of Uncertain Significance.

Literature cited by the submitters: PubMed 17576681; PubMed 9536098.